The following is an entry in ClinVar:

NM_018297.4(NGLY1):c.548T>C (p.Leu183Pro)

Gene: NGLY1 (N-glycanase 1; minus strand). Cytogenetic location: 3p24.2.
Variant type: single nucleotide variant.
Coding change: c.548T>C on transcript NM_018297.4 (MANE Select); coding-DNA position 548, T replaced by C.
Protein change: p.Leu183Pro; replaces leucine 183 with proline.
Molecular consequence: missense variant.
Genome position (GRCh38, 1-based): chr3:25,751,208, A>G on the plus strand (T>C on the coding strand, the complement: NGLY1 is on the minus strand). VCF-style: chr3-25751208-A-G. GRCh37 (hg19) VCF-style: chr3-25792699-A-G.
Other names: c.548T>C, p.Leu183Pro (NM_001145293.2, NM_001145295.2); c.422T>C, p.Leu141Pro (NM_001145294.2); short protein forms L141P, L183P.
Identifiers: ClinVar variation 834231 (VCV000834231.7), dbSNP rs781700117, ClinGen allele CA2289449.

ClinVar aggregate classification (germline): Uncertain significance (1 of 4 stars; one submission).

Conditions:
Congenital disorder of deglycosylation (CDDG). Identifiers: MedGen C3808991, MONDO:0031376.

Allele frequency attached by ClinVar (database versions not stated): gnomAD exomes below 0.00001 and 0.00001; ExAC 0.00001; TOPMed 0.00001.
gnomAD v4.1: 3 of 1,612,880 alleles (0.00019%); highest among the groups gnomAD compares: Admixed American, 0.0017%; no homozygotes.

Submission:

Labcorp Genetics (formerly Invitae), Labcorp
Classification: Uncertain significance for Congenital disorder of deglycosylation. Last evaluated: 2022-01-18. Review status: criteria provided, single submitter. Criteria: Invitae Variant Classification Sherloc (09022015). Collection method: clinical testing. Allele origin: germline.
Comment: This sequence change replaces leucine, which is neutral and non-polar, with proline, which is neutral and non-polar, at codon 183 of the NGLY1 protein (p.Leu183Pro). The frequency data for this variant in the population databases is considered unreliable, as metrics indicate poor data quality at this position in the gnomAD database. This variant has not been reported in the literature in individuals affected with NGLY1-related conditions. ClinVar contains an entry for this variant (Variation ID: 834231). In summary, the available evidence is currently insufficient to determine the role of this variant in disease. Therefore, it has been classified as a Variant of Uncertain Significance. Algorithms developed to predict the effect of missense changes on protein structure and function are either unavailable or do not agree on the potential impact of this missense change (SIFT: "Tolerated"; PolyPhen-2: "Possibly Damaging"; Align-GVGD: "Class C0").